The following is an entry in ClinVar:

ClinVar aggregate classification (germline): Likely pathogenic (1 of 4 stars; one submission).

Conditions:
Ornithine carbamoyltransferase deficiency (OTCD). Also called: Ornithine Carbamoyltransferase Deficiency Disease; OTC DEFICIENCY; ORNITHINE TRANSCARBAMYLASE DEFICIENCY; ORNITHINE TRANSCARBAMYLASE DEFICIENCY, HYPERAMMONEMIA DUE TO. Identifiers: Orphanet 664, MedGen C0268542, MONDO:0010703, OMIM 311250.

Submission:

Labcorp Genetics (formerly Invitae), Labcorp
Classification: Likely pathogenic for Ornithine carbamoyltransferase deficiency. Last evaluated: 2020-09-09. Review status: criteria provided, single submitter. Criteria: Invitae Variant Classification Sherloc (09022015). Collection method: clinical testing. Allele origin: germline.
Comment: This sequence change replaces alanine with proline at codon 135 of the OTC protein (p.Ala135Pro). The alanine residue is weakly conserved and there is a small physicochemical difference between alanine and proline. This variant is not present in population databases (ExAC no frequency). This variant has been observed in an individual with OTC deficiency (Invitae). In at least one individual the variant was observed to be de novo. ClinVar contains an entry for this variant (Variation ID: 965917). Algorithms developed to predict the effect of missense changes on protein structure and function (SIFT, PolyPhen-2, Align-GVGD) all suggest that this variant is likely to be tolerated, but these predictions have not been confirmed by published functional studies and their clinical significance is uncertain. This variant disrupts the p.Ala135 amino acid residue in OTC. Other variant(s) that disrupt this residue have been observed in individuals with OTC-related conditions (PMID: 16786505, Invitae), which suggests that this may be a clinically significant amino acid residue. In summary, the currently available evidence indicates that the variant is pathogenic, but additional data are needed to prove that conclusively. Therefore, this variant has been classified as Likely Pathogenic.

Literature cited by the submitters: PubMed 16786505.

NM_000531.6(OTC):c.403G>C (p.Ala135Pro)

Gene: OTC (ornithine transcarbamylase; plus strand). Cytogenetic location: Xp11.4.
Variant type: single nucleotide variant.
Coding change: c.403G>C on transcript NM_000531.6 (MANE Select); coding-DNA position 403, G replaced by C.
Protein change: p.Ala135Pro; replaces alanine 135 with proline.
Molecular consequence: missense variant.
Genome position (GRCh38, 1-based): chrX:38,401,291, G>C. VCF-style: chrX-38401291-G-C. GRCh37 (hg19) VCF-style: chrX-38260544-G-C.
Other names: short protein forms A135P.
Identifiers: ClinVar variation 965917 (VCV000965917.10), dbSNP rs770910923, ClinGen allele CA412722991.
Genomic context (GRCh38, chrX:38,401,291, plus strand): 5'-TAAGCATAATTATCTTAGATTATCTTTTTCTTGGTTTGCCACAGTGTATTGTCTAGCATG[G>C]CAGATGCAGTATTGGCTCGAGTGTATAAACAATCAGATTTGGACACCCTGGCTAAAGAAG-3'
Protein context (NP_000522.3, residues 125-145): TDTARVLSSM[Ala135Pro]DAVLARVYKQ